The following is an entry in ClinVar:

ClinVar aggregate classification (germline): Conflicting classifications of pathogenicity. Review status: criteria provided, conflicting classifications (1 of 4 stars). 5 submissions from 5 submitters: Uncertain significance (3); Likely benign (1). 1 of the submissions does not count toward it. Last evaluated 2026-01-18.

Conditions:
Classic or attenuated familial adenomatous polyposis. Identifiers: MedGen CN372698, MONDO:0021057.
Hereditary cancer-predisposing syndrome. Also called: Hereditary neoplastic syndrome; Hereditary Cancer Syndrome; Tumor predisposition; Neoplastic Syndromes, Hereditary. Identifiers: Orphanet 140162, MedGen C0027672, MeSH D009386, MONDO:0015356.
Familial adenomatous polyposis 1 (FAP1). Also called: FAMILIAL ADENOMATOUS POLYPOSIS 1, ATTENUATED; POLYPOSIS, ADENOMATOUS INTESTINAL. Identifiers: MedGen C2713442, MONDO:0021056, OMIM 175100. Disease mechanism: loss of function.
Carcinoma of colon (CRC). Also called: Colon carcinoma; Colonic carcinoma. Identifiers: MedGen C0699790, MONDO:0002032.

Allele frequency attached by ClinVar (database versions not stated): gnomAD exomes 0.00001 and below 0.00001; ExAC 0.00001; TOPMed 0.00002.

Submissions (5):

Labcorp Genetics (formerly Invitae), Labcorp
Classification: Uncertain significance for Familial adenomatous polyposis 1. Last evaluated: 2026-01-18. Review status: criteria provided, single submitter. Criteria: Invitae Variant Classification Sherloc (09022015). Collection method: clinical testing. Allele origin: germline.
Comment: This sequence change replaces serine, which is neutral and polar, with asparagine, which is neutral and polar, at codon 970 of the APC protein (p.Ser970Asn). This variant is present in population databases (rs767473403, gnomAD 0.006%). This variant has not been reported in the literature in individuals affected with APC-related conditions. ClinVar contains an entry for this variant (Variation ID: 469780). Invitae Evidence Modeling of protein sequence and biophysical properties (such as structural, functional, and spatial information, amino acid conservation, physicochemical variation, residue mobility, and thermodynamic stability) indicates that this missense variant is not expected to disrupt APC protein function with a negative predictive value of 95%. In summary, the available evidence is currently insufficient to determine the role of this variant in disease. Therefore, it has been classified as a Variant of Uncertain Significance.

All of Us Research Program, National Institutes of Health
Classification: Uncertain significance for Classic or attenuated familial adenomatous polyposis. Last evaluated: 2024-08-13. Review status: criteria provided, single submitter. Criteria: ACMG Guidelines, 2015. Collection method: clinical testing. Allele origin: germline. Inheritance: Autosomal dominant inheritance. Observed: 1 variant allele, 1 heterozygote.
Comment: This missense variant replaces serine with asparagine at codon 970 of the APC protein. Computational prediction suggests that this variant may not impact protein structure and function (internally defined REVEL score threshold <= 0.5, PMID: 27666373). To our knowledge, functional studies have not been reported for this variant. This variant has not been reported in individuals affected with APC-related disorders in the literature. This variant has been identified in 2/251176 chromosomes in the general population by the Genome Aggregation Database (gnomAD). The available evidence is insufficient to determine the role of this variant in disease conclusively. Therefore, this variant is classified as a Variant of Uncertain Significance.

This study involves interpretation of variants in research participants for the purpose of population health screening. Participant phenotype was not available at the time of variant classification. Additional details can be found in publication PMID: 35346344, PMCID: PMC8962531

Color Diagnostics, LLC DBA Color Health
Classification: Uncertain significance for Hereditary cancer-predisposing syndrome. Last evaluated: 2023-12-05. Review status: criteria provided, single submitter. Criteria: ACMG Guidelines, 2015. Collection method: clinical testing. Allele origin: germline.
Comment: This missense variant replaces serine with asparagine at codon 970 of the APC protein. Computational prediction suggests that this variant may not impact protein structure and function (internally defined REVEL score threshold <= 0.5, PMID: 27666373). To our knowledge, functional studies have not been reported for this variant. This variant has not been reported in individuals affected with APC-related disorders in the literature. This variant has been identified in 2/251176 chromosomes in the general population by the Genome Aggregation Database (gnomAD). The available evidence is insufficient to determine the role of this variant in disease conclusively. Therefore, this variant is classified as a Variant of Uncertain Significance.

Ambry Genetics
Classification: Likely benign for Hereditary cancer-predisposing syndrome. Last evaluated: 2021-03-18. Review status: criteria provided, single submitter. Criteria: Ambry Variant Classification Scheme 2023. Collection method: clinical testing. Allele origin: germline.

Department of Pathology and Laboratory Medicine, Sinai Health System
Classification: Uncertain significance for Carcinoma of colon. Review status: no assertion criteria provided. Collection method: clinical testing. Allele origin: unknown. Affected: yes. Study: The Canadian Open Genetics Repository (COGR). Not counted in ClinVar's aggregate classification.
Comment: The APC p.Ser970Asn variant was not identified in the literature nor was it identified in the LOVD 3.0 and UMD-LSDB. The variant was identified in dbSNP (rs767473403) as â€šÃ„Ãºwith uncertain significance allele, ClinVar (interpreted as "uncertain significance" by Invitae and Color). The variant was identified in control databases in 2 of 245,954 chromosomes at a frequency of 0.000008 (Genome Aggregation Database Feb 27, 2017). The variant was observed in the following populations: and South Asian in 2 of 30,780 chromosomes (freq: 0.00007). The variant was not observed in the African, Other, Latino, European, Ashkenazi Jewish, East Asian, and Finnish populations. The p.Ser970 residue is conserved in mammals and computational analyses (PolyPhen-2, SIFT, AlignGVGD, BLOSUM, MutationTaster) provide inconsistent predictions regarding the impact to the protein; this information is not very predictive of pathogenicity. The variant occurs outside of the splicing consensus sequence and 1 of 4 in silico or computational prediction software programs (SpliceSiteFinder, MaxEntScan, NNSPLICE, GeneSplicer) predict a greater than 10% difference in splicing; this is not very predictive of pathogenicity. In summary, based on the above information the clinical significance of this variant cannot be determined with certainty at this time. This variant is classified as a variant of uncertain significance.

NM_000038.6(APC):c.2909G>A (p.Ser970Asn)

Gene: APC (APC regulator of Wnt signaling pathway; plus strand). Cytogenetic location: 5q22.2.
Variant type: single nucleotide variant.
Coding change: c.2909G>A on transcript NM_000038.6 (MANE Select); coding-DNA position 2909, G replaced by A.
Protein change: p.Ser970Asn; replaces serine 970 with asparagine.
Molecular consequence: missense variant.
Genome position (GRCh38, 1-based): chr5:112,838,503, G>A. VCF-style: chr5-112838503-G-A. GRCh37 (hg19) VCF-style: chr5-112174200-G-A.
Other names: c.2909G>A, p.Ser970Asn (NM_001127510.3, NM_001354895.2); c.2855G>A, p.Ser952Asn (NM_001127511.3); c.2963G>A, p.Ser988Asn (NM_001354896.2); c.2939G>A, p.Ser980Asn (NM_001354897.2); c.2834G>A, p.Ser945Asn (NM_001354898.2); c.2825G>A, p.Ser942Asn (NM_001354899.2); c.2786G>A, p.Ser929Asn (NM_001354900.2); c.2732G>A, p.Ser911Asn (NM_001354901.2); and 5 more; short protein forms S952N, S970N, S911N, S980N, S988N, S687N, S879N, S810N.
Identifiers: ClinVar variation 469780 (VCV000469780.18), dbSNP rs767473403, ClinGen allele CA033901.